The following is an entry in ClinVar:

ClinVar aggregate classification (germline): Uncertain significance (1 of 4 stars; one submission).

Submission:

Labcorp Genetics (formerly Invitae), Labcorp
Classification: Uncertain significance. Last evaluated: 2023-12-19. Review status: criteria provided, single submitter. Criteria: Invitae Variant Classification Sherloc (09022015). Collection method: clinical testing. Allele origin: unknown.
Comment: This variant results in a copy number gain of the genomic region encompassing exon(s) 42-46 of the FN1 gene. This region includes the termination codon of the gene. This copy number gain extends beyond the assayed region for this gene and therefore may encompass additional genes. As the precise location of this event is unknown, it may be in tandem or it may be located elsewhere in the genome. This variant has not been reported in the literature in individuals affected with FN1-related conditions. In summary, the available evidence is currently insufficient to determine the role of this variant in disease. Therefore, it has been classified as a Variant of Uncertain Significance.

NC_000002.11:g.(?_216226278)_(216232770_?)dup

Gene: FN1 (fibronectin 1; minus strand). Cytogenetic location: 2q35.
Variant type: Duplication.
Identifiers: ClinVar variation 3247620 (VCV003247620.1).